The following is an entry in ClinVar:

ClinVar aggregate classification (germline): Likely benign (1 of 4 stars; one submission).

Submission:

Laboratory for Molecular Medicine, Mass General Brigham Personalized Medicine
Classification: Likely benign. Last evaluated: 2015-07-14. Review status: criteria provided, single submitter. Criteria: LMM Criteria. Collection method: clinical testing. Allele origin: germline. Observed: 1 variant allele.
Comment: p.Glu1524Glu in exon 9 of TRIOBP: This variant is not expected to have clinical significance because it does not alter an amino acid residue and is not located within the splice consensus sequence.

NM_001039141.3(TRIOBP):c.4572G>A (p.Glu1524=)

Gene: TRIOBP (TRIO and F-actin binding protein; plus strand). Cytogenetic location: 22q13.1.
Variant type: single nucleotide variant.
Coding change: c.4572G>A on transcript NM_001039141.3 (MANE Select); coding-DNA position 4572, G replaced by A.
Protein change: p.Glu1524=; no amino-acid change (glutamic acid 1524 retained).
Molecular consequence: synonymous variant.
Genome position (GRCh38, 1-based): chr22:37,734,908, G>A. VCF-style: chr22-37734908-G-A. GRCh37 (hg19) VCF-style: chr22-38130915-G-A.
Identifiers: ClinVar variation 228032 (VCV000228032.5), dbSNP rs876657593, ClinGen allele CA10577145.